The following is an entry in ClinVar:

ClinVar aggregate classification (germline): Conflicting classifications of pathogenicity. Review status: criteria provided, conflicting classifications (1 of 4 stars). 5 submissions from 5 submitters: Uncertain significance (4); Likely benign (1). Last evaluated 2024-12-04.

Conditions:
Cardiovascular phenotype. Identifiers: MedGen CN230736.
Cardiomyopathy (CMYO). Also called: Cardiomyopathies. Identifiers: Orphanet 167848, MedGen C0878544, MONDO:0004994, HP:0001638. Inheritance: Various modes of inheritance.
Dilated cardiomyopathy 1O (CMD1O). Also called: CARDIOMYOPATHY, DILATED, WITH VENTRICULAR TACHYCARDIA. Identifiers: Orphanet 154, MedGen C1837839, MONDO:0012062, OMIM 608569.

Allele frequency attached by ClinVar (database versions not stated): ExAC 0.00001; gnomAD 0.00001; gnomAD exomes 0.00001 and 0.00003; TOPMed 0.00002.
gnomAD v4.1: 49 of 1,612,182 alleles (0.003%); highest among the groups gnomAD compares: Non-Finnish European, 0.004%; no homozygotes.

Submissions (5):

GeneDx
Classification: Uncertain significance. Last evaluated: 2024-12-04. Review status: criteria provided, single submitter. Criteria: GeneDx Variant Classification Process June 2021. Collection method: clinical testing. Allele origin: germline. Affected: yes.
Comment: Has not been previously published as pathogenic or benign to our knowledge; In silico analysis indicates that this missense variant does not alter protein structure/function; Not observed at significant frequency in large population cohorts (gnomAD)

Labcorp Genetics (formerly Invitae), Labcorp
Classification: Uncertain significance for Dilated cardiomyopathy 1O. Last evaluated: 2024-01-24. Review status: criteria provided, single submitter. Criteria: Invitae Variant Classification Sherloc (09022015). Collection method: clinical testing. Allele origin: germline.
Comment: This sequence change replaces glycine, which is neutral and non-polar, with aspartic acid, which is acidic and polar, at codon 682 of the ABCC9 protein (p.Gly682Asp). This variant is present in population databases (rs752106985, gnomAD 0.002%). This variant has not been reported in the literature in individuals affected with ABCC9-related conditions. ClinVar contains an entry for this variant (Variation ID: 410815). Advanced modeling of protein sequence and biophysical properties (such as structural, functional, and spatial information, amino acid conservation, physicochemical variation, residue mobility, and thermodynamic stability) has been performed at Invitae for this missense variant, however the output from this modeling did not meet the statistical confidence thresholds required to predict the impact of this variant on ABCC9 protein function. In summary, the available evidence is currently insufficient to determine the role of this variant in disease. Therefore, it has been classified as a Variant of Uncertain Significance.

Blueprint Genetics
Classification: Likely benign. Last evaluated: 2023-02-20. Review status: criteria provided, single submitter. Criteria: ACMG Guidelines, 2015. Collection method: clinical testing. Allele origin: germline.

Ambry Genetics
Classification: Uncertain significance for Cardiovascular phenotype. Last evaluated: 2019-10-17. Review status: criteria provided, single submitter. Criteria: Ambry Variant Classification Scheme 2023. Collection method: clinical testing. Allele origin: germline.
Comment: The p.G682D variant (also known as c.2045G>A), located in coding exon 15 of the ABCC9 gene, results from a G to A substitution at nucleotide position 2045. The glycine at codon 682 is replaced by aspartic acid, an amino acid with similar properties. This amino acid position is highly conserved in available vertebrate species. In addition, this alteration is predicted to be deleterious by in silico analysis. Since supporting evidence is limited at this time, the clinical significance of this alteration remains unclear.

CHEO Genetics Diagnostic Laboratory, Children's Hospital of Eastern Ontario
Classification: Uncertain significance for Cardiomyopathy. Last evaluated: 2018-10-02. Review status: criteria provided, single submitter. Criteria: ACMG Guidelines, 2015. Collection method: clinical testing. Allele origin: germline.

NM_020297.4(ABCC9):c.2045G>A (p.Gly682Asp)

Gene: ABCC9 (ATP binding cassette subfamily C member 9; minus strand). Cytogenetic location: 12p12.1.
Variant type: single nucleotide variant.
Coding change: c.2045G>A on transcript NM_020297.4 (MANE Select); coding-DNA position 2045, G replaced by A.
Protein change: p.Gly682Asp; replaces glycine 682 with aspartic acid.
Molecular consequence: missense variant.
Genome position (GRCh38, 1-based): chr12:21,875,701, C>T on the plus strand (G>A on the coding strand, the complement: ABCC9 is on the minus strand). VCF-style: chr12-21875701-C-T. GRCh37 (hg19) VCF-style: chr12-22028635-C-T.
Other names: c.2045G>A, p.Gly682Asp (NM_001377273.1, NM_005691.4); c.1181G>A, p.Gly394Asp (NM_001377274.1); short protein forms G682D, G394D.
Identifiers: ClinVar variation 410815 (VCV000410815.16), dbSNP rs752106985, ClinGen allele CA6481509.